The following is an entry in ClinVar:

ClinVar aggregate classification (germline): Uncertain significance (1 of 4 stars; one submission).

Conditions:
Congenital sideroblastic anemia-B-cell immunodeficiency-periodic fever-developmental delay syndrome. Also called: Sideroblastic anemia with B-cell immunodeficiency, periodic fevers, and developmental delay. Identifiers: Orphanet 369861, MedGen C4015172, MONDO:0014487, OMIM 616084.

Allele frequency attached by ClinVar (database versions not stated): gnomAD exomes 0.00001.
gnomAD v4.1: 7 of 1,613,836 alleles (0.00043%); highest among the groups gnomAD compares: Non-Finnish European, 0.00059%; no homozygotes.

Submission:

Labcorp Genetics (formerly Invitae), Labcorp
Classification: Uncertain significance for Congenital sideroblastic anemia-B-cell immunodeficiency-periodic fever-developmental delay syndrome. Last evaluated: 2021-06-19. Review status: criteria provided, single submitter. Criteria: Invitae Variant Classification Sherloc (09022015). Collection method: clinical testing. Allele origin: germline.
Comment: In summary, the available evidence is currently insufficient to determine the role of this variant in disease. Therefore, it has been classified as a Variant of Uncertain Significance. Algorithms developed to predict the effect of missense changes on protein structure and function are either unavailable or do not agree on the potential impact of this missense change (SIFT: "Tolerated"; PolyPhen-2: "Possibly Damaging"; Align-GVGD: "Class C0"). This variant has not been reported in the literature in individuals with TRNT1-related conditions. This variant is not present in population databases (ExAC no frequency). This sequence change replaces glycine with aspartic acid at codon 323 of the TRNT1 protein (p.Gly323Asp). The glycine residue is moderately conserved and there is a moderate physicochemical difference between glycine and aspartic acid.

NM_182916.3(TRNT1):c.968G>A (p.Gly323Asp)

Gene: TRNT1 (tRNA nucleotidyl transferase 1; plus strand). Cytogenetic location: 3p26.2.
Variant type: single nucleotide variant.
Coding change: c.968G>A on transcript NM_182916.3 (MANE Select); coding-DNA position 968, G replaced by A.
Protein change: p.Gly323Asp; replaces glycine 323 with aspartic acid.
Molecular consequence: missense variant. On other transcripts: non-coding transcript variant (8).
Genome position (GRCh38, 1-based): chr3:3,147,615, G>A. VCF-style: chr3-3147615-G-A. GRCh37 (hg19) VCF-style: chr3-3189299-G-A.
Other names: c.908G>A, p.Gly303Asp (NM_001302946.2); c.968G>A, p.Gly323Asp (NM_001367321.1, NM_001367322.1, NM_001367323.1); short protein forms G303D, G323D.
Identifiers: ClinVar variation 1432019 (VCV001432019.8), dbSNP rs2126036942, ClinGen allele CA351447951.
Genomic context (GRCh38, chr3:3,147,615, plus strand): 5'-AAGATGATGTCACAAAATTGGATTTGAGGTTGAAGATCGCAAAAGAGGAGAAAAACCTTG[G>A]CTTATTTATAGTTAAAAATAGGAAAGATTTAATTAAAGCAACAGATAGTTCAGACCCATT-3'
Protein context (NP_886552.3, residues 313-333): LKIAKEEKNL[Gly323Asp]LFIVKNRKDL